The following is an entry in ClinVar:

ClinVar aggregate classification (germline): Likely benign (1 of 4 stars; one submission).

Allele frequency attached by ClinVar (database versions not stated): 1000 Genomes Project 30x 0.00016.

Submission:

CeGaT Center for Human Genetics Tuebingen
Classification: Likely benign. Last evaluated: 2022-11-01. Review status: criteria provided, single submitter. Criteria: CeGaT Center For Human Genetics Tuebingen Variant Classification Criteria Version 2. Collection method: clinical testing. Allele origin: germline. Affected: yes. Observed: 1 variant allele.
Comment: MUC12: BP4, BP7

NM_001164462.2(MUC12):c.10995A>G (p.Pro3665=)

Gene: MUC12 (mucin 12, cell surface associated; plus strand). Cytogenetic location: 7q22.1.
Variant type: single nucleotide variant.
Coding change: c.10995A>G on transcript NM_001164462.2 (MANE Select); coding-DNA position 10995, A replaced by G.
Protein change: p.Pro3665=; no amino-acid change (proline 3665 retained).
Molecular consequence: synonymous variant.
Genome position (GRCh38, 1-based): chr7:101,001,558, A>G. VCF-style: chr7-101001558-A-G. GRCh37 (hg19) VCF-style: chr7-100644839-A-G.
Identifiers: ClinVar variation 2657817 (VCV002657817.24), dbSNP rs1240771509, ClinGen allele CA456913948.